The following is an entry in ClinVar:

NM_032608.7(MYO18B):c.6806C>T (p.Thr2269Met)

Gene: MYO18B (myosin XVIIIB; plus strand). Cytogenetic location: 22q12.1.
Variant type: single nucleotide variant.
Coding change: c.6806C>T on transcript NM_032608.7 (MANE Select); coding-DNA position 6806, C replaced by T.
Protein change: p.Thr2269Met; replaces threonine 2269 with methionine.
Molecular consequence: missense variant.
Genome position (GRCh38, 1-based): chr22:26,026,780, C>T. VCF-style: chr22-26026780-C-T. GRCh37 (hg19) VCF-style: chr22-26422746-C-T.
Other names: c.6809C>T, p.Thr2270Met (NM_001318245.2); c.6806C>T (NM_032608.5); short protein forms T2270M, T2269M.
Identifiers: ClinVar variation 1421213 (VCV001421213.8), dbSNP rs201327023, ClinGen allele CA10161615.

ClinVar aggregate classification (germline): Uncertain significance. Review status: criteria provided, multiple submitters, no conflicts (2 of 4 stars). 4 submissions from 4 submitters: Uncertain significance (4). Last evaluated 2024-10-16.

Conditions:
Inborn genetic diseases. Identifiers: MedGen C0950123, MeSH D030342.

Allele frequency attached by ClinVar (database versions not stated): gnomAD exomes 0.00004; ExAC 0.00007; 1000 Genomes Project 30x 0.00016; TOPMed 0.00024; ESP Exome Variant Server 0.00042.
gnomAD v4.1: 53 of 1,607,186 alleles (0.0033%); highest among the groups gnomAD compares: African/African-American, 0.051%; no homozygotes.

Submissions (4):

Blueprint Genetics
Classification: Uncertain significance. Last evaluated: 2024-10-16. Review status: criteria provided, single submitter. Criteria: ACMG Guidelines, 2015. Collection method: clinical testing. Allele origin: germline.

Ambry Genetics
Classification: Uncertain significance for Inborn genetic diseases. Last evaluated: 2024-02-27. Review status: criteria provided, single submitter. Criteria: Ambry Variant Classification Scheme 2023. Collection method: clinical testing. Allele origin: germline.

Labcorp Genetics (formerly Invitae), Labcorp
Classification: Uncertain significance. Last evaluated: 2024-01-22. Review status: criteria provided, single submitter. Criteria: Invitae Variant Classification Sherloc (09022015). Collection method: clinical testing. Allele origin: germline.
Comment: This sequence change replaces threonine, which is neutral and polar, with methionine, which is neutral and non-polar, at codon 2269 of the MYO18B protein (p.Thr2269Met). This variant is present in population databases (rs201327023, gnomAD 0.07%). This variant has not been reported in the literature in individuals affected with MYO18B-related conditions. ClinVar contains an entry for this variant (Variation ID: 1421213). An algorithm developed to predict the effect of missense changes on protein structure and function (PolyPhen-2) suggests that this variant¬†is likely to be tolerated. In summary, the available evidence is currently insufficient to determine the role of this variant in disease. Therefore, it has been classified as a Variant of Uncertain Significance.

GeneDx
Classification: Uncertain significance. Last evaluated: 2022-08-06. Review status: criteria provided, single submitter. Criteria: GeneDx Variant Classification Process June 2021. Collection method: clinical testing. Allele origin: germline. Affected: yes.
Comment: In silico analysis supports that this missense variant does not alter protein structure/function; Has not been previously published as pathogenic or benign to our knowledge